The following is an entry in ClinVar:

ClinVar aggregate classification (germline): Uncertain significance (0 of 4 stars; one submission).

Conditions:
KSR2-related disorder. Also called: KSR2-related condition.

Submission:

PreventionGenetics, part of Exact Sciences
Classification: Uncertain significance for KSR2-related condition. Last evaluated: 2024-04-19. Review status: no assertion criteria provided. Collection method: clinical testing. Allele origin: germline.
Comment: The KSR2 c.1930G>T variant is predicted to result in premature protein termination (p.Gly644*). To our knowledge, this variant has not been reported in the literature or in a large population database, indicating this variant is rare. Although we suspect that this variant may be pathogenic, at this time, the clinical significance of this variant is uncertain due to the absence of conclusive functional and genetic evidence.

NM_173598.6(KSR2):c.2017G>T (p.Gly673Ter)

Gene: KSR2 (kinase suppressor of ras 2; minus strand). Cytogenetic location: 12q24.22.
Variant type: single nucleotide variant.
Coding change: c.2017G>T on transcript NM_173598.6 (MANE Select); coding-DNA position 2017, G replaced by T.
Protein change: p.Gly673Ter; replaces glycine 673 with a stop codon.
Molecular consequence: nonsense.
Genome position (GRCh38, 1-based): chr12:117,525,054, C>A on the plus strand (G>T on the coding strand, the complement: KSR2 is on the minus strand). VCF-style: chr12-117525054-C-A. GRCh37 (hg19) VCF-style: chr12-117962859-C-A.
Other names: short protein forms G673*.
Identifiers: ClinVar variation 3348929 (VCV003348929.1).